The following is an entry in ClinVar:

ClinVar aggregate classification (germline): Uncertain significance. Review status: criteria provided, multiple submitters, no conflicts (2 of 4 stars). 5 submissions from 5 submitters: Uncertain significance (5). Last evaluated 2025-07-25.

Conditions:
Hereditary cancer-predisposing syndrome. Also called: Tumor predisposition; Neoplastic Syndromes, Hereditary; Hereditary neoplastic syndrome; Hereditary Cancer Syndrome. Identifiers: Orphanet 140162, MedGen C0027672, MeSH D009386, MONDO:0015356.
Classic or attenuated familial adenomatous polyposis. Identifiers: MedGen CN372698, MONDO:0021057.
Familial adenomatous polyposis 1 (FAP1). Also called: FAMILIAL ADENOMATOUS POLYPOSIS 1, ATTENUATED; POLYPOSIS, ADENOMATOUS INTESTINAL. Identifiers: MedGen C2713442, MONDO:0021056, OMIM 175100. Disease mechanism: loss of function.

Submissions (5):

Color Diagnostics, LLC DBA Color Health
Classification: Uncertain significance for Hereditary cancer-predisposing syndrome. Last evaluated: 2025-07-25. Review status: criteria provided, single submitter. Criteria: ACMG Guidelines, 2015. Collection method: clinical testing. Allele origin: germline.
Comment: This missense variant replaces threonine with lysine at codon 2151 of the APC protein. Computational prediction is inconclusive regarding the impact of this variant on protein structure and function. To our knowledge, functional studies have not been reported for this variant. This variant has not been reported in individuals affected with APC-related disorders in the literature. This variant has not been identified in the general population by the Genome Aggregation Database (gnomAD). The available evidence is insufficient to determine the role of this variant in disease conclusively. Therefore, this variant is classified as a Variant of Uncertain Significance.

Labcorp Genetics (formerly Invitae), Labcorp
Classification: Uncertain significance for Familial adenomatous polyposis 1. Last evaluated: 2025-04-10. Review status: criteria provided, single submitter. Criteria: Invitae Variant Classification Sherloc (09022015). Collection method: clinical testing. Allele origin: germline.
Comment: This sequence change replaces threonine, which is neutral and polar, with lysine, which is basic and polar, at codon 2151 of the APC protein (p.Thr2151Lys). This variant is not present in population databases (gnomAD no frequency). This variant has not been reported in the literature in individuals affected with APC-related conditions. ClinVar contains an entry for this variant (Variation ID: 849690). Invitae Evidence Modeling of protein sequence and biophysical properties (such as structural, functional, and spatial information, amino acid conservation, physicochemical variation, residue mobility, and thermodynamic stability) indicates that this missense variant is not expected to disrupt APC protein function with a negative predictive value of 95%. In summary, the available evidence is currently insufficient to determine the role of this variant in disease. Therefore, it has been classified as a Variant of Uncertain Significance.

All of Us Research Program, National Institutes of Health
Classification: Uncertain significance for Classic or attenuated familial adenomatous polyposis. Last evaluated: 2024-05-09. Review status: criteria provided, single submitter. Criteria: ACMG Guidelines, 2015. Collection method: clinical testing. Allele origin: germline. Inheritance: Autosomal dominant inheritance. Observed: 1 variant allele, 1 heterozygote.
Comment: This study involves interpretation of variants in research participants for the purpose of population health screening. Participant phenotype was not available at the time of variant classification. Additional details can be found in publication PMID: 35346344, PMCID: PMC8962531

Ambry Genetics
Classification: Uncertain significance for Hereditary cancer-predisposing syndrome. Last evaluated: 2023-11-16. Review status: criteria provided, single submitter. Criteria: Ambry Variant Classification Scheme 2023. Collection method: clinical testing. Allele origin: germline.
Comment: The p.T2151K variant (also known as c.6452C>A), located in coding exon 15 of the APC gene, results from a C to A substitution at nucleotide position 6452. The threonine at codon 2151 is replaced by lysine, an amino acid with similar properties. This amino acid position is well conserved in available vertebrate species. In addition, in silico predictors for this gene do not accurately predict pathogenicity. Since supporting evidence is limited at this time, the clinical significance of this alteration remains unclear.

Sema4
Classification: Uncertain significance for Hereditary cancer-predisposing syndrome. Last evaluated: 2022-02-04. Review status: criteria provided, single submitter. Criteria: Sema4 Curation Guidelines. Collection method: curation. Allele origin: germline.
Comment: The APC c.6452C>A (p.T2151K) variant has not been reported in the literature to our knowledge. This variant is not reported in the population database Genome Aggregation Database (PMID: 32461654). The variant has been reported in ClinVar (Variation ID: 849690). Functional studies have not been performed, and in silico predictions of the variant's effect on protein function are inconclusive. The evidence is insufficient to meet ACMG/AMP criteria for classifying the variant as benign or pathogenic. Thus, the clinical significance of this variant is currently uncertain.

NM_000038.6(APC):c.6452C>A (p.Thr2151Lys)

Gene: APC (APC regulator of Wnt signaling pathway; plus strand). Cytogenetic location: 5q22.2.
Variant type: single nucleotide variant.
Coding change: c.6452C>A on transcript NM_000038.6 (MANE Select); coding-DNA position 6452, C replaced by A.
Protein change: p.Thr2151Lys; replaces threonine 2151 with lysine.
Molecular consequence: missense variant.
Genome position (GRCh38, 1-based): chr5:112,842,046, C>A. VCF-style: chr5-112842046-C-A. GRCh37 (hg19) VCF-style: chr5-112177743-C-A.
Other names: c.6452C>A, p.Thr2151Lys (NM_001127510.3, NM_001354895.2); c.6398C>A, p.Thr2133Lys (NM_001127511.3); c.6506C>A, p.Thr2169Lys (NM_001354896.2); c.6482C>A, p.Thr2161Lys (NM_001354897.2); c.6377C>A, p.Thr2126Lys (NM_001354898.2); c.6368C>A, p.Thr2123Lys (NM_001354899.2); c.6329C>A, p.Thr2110Lys (NM_001354900.2); c.6275C>A, p.Thr2092Lys (NM_001354901.2); and 5 more; short protein forms T1868K, T2133K, T2025K, T2110K, T2123K, T2151K, T2050K, T1991K.
Identifiers: ClinVar variation 849690 (VCV000849690.13), dbSNP rs1060503293, ClinGen allele CA16035447.